The following is an entry in ClinVar:

NM_001447.3(FAT2):c.11485C>T (p.Leu3829=)

Genes: FAT2 (FAT atypical cadherin 2; minus strand), SLC36A1 (solute carrier family 36 member 1; plus strand). Cytogenetic location: 5q33.1.
Variant type: single nucleotide variant.
Coding change: c.11485C>T on transcript NM_001447.3 (MANE Select); coding-DNA position 11485, C replaced by T.
Protein change: p.Leu3829=; no amino-acid change (leucine 3829 retained).
Molecular consequence: synonymous variant.
Genome position (GRCh38, 1-based): chr5:151,512,585, G>A on the plus strand (C>T on the coding strand, the complement: FAT2 is on the minus strand). VCF-style: chr5-151512585-G-A. GRCh37 (hg19) VCF-style: chr5-150892146-G-A.
Identifiers: ClinVar variation 3026859 (VCV003026859.22), dbSNP rs1761406356, ClinGen allele CA447204095.

ClinVar aggregate classification (germline): Uncertain significance (1 of 4 stars; one submission).

Submission:

CeGaT Center for Human Genetics Tuebingen
Classification: Uncertain significance. Last evaluated: 2024-01-01. Review status: criteria provided, single submitter. Criteria: CeGaT Center For Human Genetics Tuebingen Variant Classification Criteria Version 2. Collection method: clinical testing. Allele origin: germline. Affected: yes. Observed: 1 variant allele.
Comment: FAT2: PM2:Supporting, BP4